The following is an entry in ClinVar:

NM_020937.4(FANCM):c.4954A>G (p.Met1652Val)

Gene: FANCM (FA complementation group M; plus strand). Cytogenetic location: 14q21.2.
Variant type: single nucleotide variant.
Coding change: c.4954A>G on transcript NM_020937.4 (MANE Select); coding-DNA position 4954, A replaced by G.
Protein change: p.Met1652Val; replaces methionine 1652 with valine.
Molecular consequence: missense variant.
Genome position (GRCh38, 1-based): chr14:45,188,976, A>G. VCF-style: chr14-45188976-A-G. GRCh37 (hg19) VCF-style: chr14-45658179-A-G.
Other names: c.4876A>G, p.Met1626Val (NM_001308133.2); short protein forms M1626V, M1652V.
Identifiers: ClinVar variation 2814440 (VCV002814440.3), dbSNP rs2503243699, ClinGen allele CA389611693.

ClinVar aggregate classification (germline): Uncertain significance (1 of 4 stars; one submission).

Conditions:
Fanconi anemia (FA). Also called: Fanconi's anemia. Identifiers: Orphanet 84, MedGen C0015625, MeSH D005199, MONDO:0019391.

Allele frequency attached by ClinVar (database versions not stated): gnomAD exomes below 0.00001.

Submission:

Labcorp Genetics (formerly Invitae), Labcorp
Classification: Uncertain significance for Fanconi anemia. Last evaluated: 2022-11-15. Review status: criteria provided, single submitter. Criteria: Invitae Variant Classification Sherloc (09022015). Collection method: clinical testing. Allele origin: germline.
Comment: In summary, the available evidence is currently insufficient to determine the role of this variant in disease. Therefore, it has been classified as a Variant of Uncertain Significance. Algorithms developed to predict the effect of missense changes on protein structure and function output the following: SIFT: "Tolerated"; PolyPhen-2: "Benign"; Align-GVGD: "Class C0". The valine amino acid residue is found in multiple mammalian species, which suggests that this missense change does not adversely affect protein function. This variant has not been reported in the literature in individuals affected with FANCM-related conditions. This variant is not present in population databases (gnomAD no frequency). This sequence change replaces methionine, which is neutral and non-polar, with valine, which is neutral and non-polar, at codon 1652 of the FANCM protein (p.Met1652Val).